The following is an entry in ClinVar:

NM_000535.7(PMS2):c.2152C>T (p.Leu718Phe)

Gene: PMS2 (PMS1 homolog 2, mismatch repair system component; minus strand). Cytogenetic location: 7p22.1.
Variant type: single nucleotide variant.
Coding change: c.2152C>T on transcript NM_000535.7 (MANE Select); coding-DNA position 2152, C replaced by T.
Protein change: p.Leu718Phe; replaces leucine 718 with phenylalanine.
Molecular consequence: missense variant. On other transcripts: non-coding transcript variant (1).
Genome position (GRCh38, 1-based): chr7:5,982,846, G>A on the plus strand (C>T on the coding strand, the complement: PMS2 is on the minus strand). VCF-style: chr7-5982846-G-A. GRCh37 (hg19) VCF-style: chr7-6022477-G-A.
Other names: c.2152C>T (NM_000535.6); c.1747C>T, p.Leu583Phe (NM_001322003.2, NM_001322004.2, NM_001322005.2 and 1 more transcripts); c.1996C>T, p.Leu666Phe (NM_001322006.2); c.1834C>T, p.Leu612Phe (NM_001322007.2, NM_001322008.2); c.1591C>T, p.Leu531Phe (NM_001322010.2); c.1219C>T, p.Leu407Phe (NM_001322011.2, NM_001322012.2); c.1579C>T, p.Leu527Phe (NM_001322013.2); c.2152C>T, p.Leu718Phe (NM_001322014.2); and 1 more; short protein forms L718F, L583F, L407F, L612F, L615F, L666F, L527F, L531F.
Identifiers: ClinVar variation 455686 (VCV000455686.17), dbSNP rs139765160, ClinGen allele CA153224759.

ClinVar aggregate classification (germline): Uncertain significance. Review status: criteria provided, multiple submitters, no conflicts (2 of 4 stars). 5 submissions from 5 submitters: Uncertain significance (5). Last evaluated 2026-08-06.

Conditions:
Mismatch repair cancer syndrome 4. Identifiers: MedGen C5436817, MONDO:0030843, OMIM 619101.
Hereditary nonpolyposis colorectal neoplasms. Identifiers: MedGen C0009405, MeSH D003123.
Hereditary cancer-predisposing syndrome. Also called: Tumor predisposition; Hereditary neoplastic syndrome; Neoplastic Syndromes, Hereditary; Hereditary Cancer Syndrome. Identifiers: Orphanet 140162, MedGen C0027672, MeSH D009386, MONDO:0015356.
Lynch syndrome 4 (LYNCH4). Also called: Hereditary non-polyposis colorectal cancer, type 4; Colorectal cancer, hereditary nonpolyposis, type 4. Identifiers: Orphanet 144, MedGen C1838333, MONDO:0013699, OMIM 614337. Disease mechanism: loss of function.

Allele frequency attached by ClinVar (database versions not stated): gnomAD 0.00001; gnomAD exomes 0.00001; ESP Exome Variant Server 0.00008.
gnomAD v4.1: 6 of 1,608,834 alleles (0.00037%); highest among the groups gnomAD compares: African/African-American, 0.0013%; no homozygotes.

Submissions (5):

OLLIN Analises Genomicas, OLLIN
Classification: Uncertain significance for Mismatch repair cancer syndrome 4. Last evaluated: 2026-08-06. Review status: criteria provided, single submitter. Criteria: ACMG Guidelines 2015 PMID 25741868. Collection method: clinical testing. Allele origin: germline.
Comment: This missense variant, located in exon 12 (of 15), has been reported in ClinVar (accession VCV000455686.16) and in gnomAD with an allele frequency of 0.00037%. However, to our knowledge, it has not been reported in the scientific literature. In silico analysis is inconclusive regarding the impact of this variant. According to the currently available evidence, this variant has been classified as uncertain significance (PM2_P).

Labcorp Genetics (formerly Invitae), Labcorp
Classification: Uncertain significance for Hereditary nonpolyposis colorectal neoplasms. Last evaluated: 2024-11-27. Review status: criteria provided, single submitter. Criteria: Invitae Variant Classification Sherloc (09022015). Collection method: clinical testing. Allele origin: germline.
Comment: This sequence change replaces leucine, which is neutral and non-polar, with phenylalanine, which is neutral and non-polar, at codon 718 of the PMS2 protein (p.Leu718Phe). The frequency data for this variant in the population databases (gnomAD) is considered unreliable due to the presence of homologous sequence, such as pseudogenes or paralogs, in the genome. This variant has not been reported in the literature in individuals affected with PMS2-related conditions. ClinVar contains an entry for this variant (Variation ID: 455686). Invitae Evidence Modeling incorporating data from in vitro experimental studies (internal data) indicates that this missense variant is not expected to disrupt PMS2 function with a negative predictive value of 95%. In summary, the available evidence is currently insufficient to determine the role of this variant in disease. Therefore, it has been classified as a Variant of Uncertain Significance.

Quest Diagnostics Nichols Institute San Juan Capistrano
Classification: Uncertain significance. Last evaluated: 2024-10-25. Review status: criteria provided, single submitter. Criteria: Quest Diagnostics criteria. Collection method: clinical testing. Allele origin: unknown.
Comment: The PMS2 c.2152C>T (p.Leu718Phe) variant has not been reported in individuals with PMS2-related conditions in the published literature. The frequency of this variant in the general population, 0.000032 (1/31138 chromosomes (Genome Aggregation Database)), is uninformative in the assessment of its pathogenicity. Analysis of this variant using bioinformatics tools for the prediction of the effect of amino acid changes on protein structure and function yielded conflicting predictions that this variant is deleterious or benign. Based on the available information, we are unable to determine the clinical significance of this variant.

Ambry Genetics
Classification: Uncertain significance for Hereditary cancer-predisposing syndrome. Last evaluated: 2024-10-13. Review status: criteria provided, single submitter. Criteria: Ambry Variant Classification Scheme 2023. Collection method: clinical testing. Allele origin: germline.
Comment: The p.L718F variant (also known as c.2152C>T), located in coding exon 12 of the PMS2 gene, results from a C to T substitution at nucleotide position 2152. The leucine at codon 718 is replaced by phenylalanine, an amino acid with highly similar properties. This amino acid position is highly conserved in available vertebrate species. In addition, the in silico prediction for this alteration is inconclusive. Since supporting evidence is limited at this time, the clinical significance of this alteration remains unclear.

Baylor Genetics
Classification: Uncertain significance for Lynch syndrome 4. Last evaluated: 2024-03-10. Review status: criteria provided, single submitter. Criteria: ACMG Guidelines, 2015. Collection method: clinical testing. Allele origin: unknown.

Literature cited by the submitters: PubMed 32827758 (cited by Quest Diagnostics Nichols Institute San Juan Capistrano).